The following is an entry in ClinVar:

ClinVar aggregate classification (germline): Uncertain significance (1 of 4 stars; one submission).

Submission:

Labcorp Genetics (formerly Invitae), Labcorp
Classification: Uncertain significance. Last evaluated: 2022-09-15. Review status: criteria provided, single submitter. Criteria: Invitae Variant Classification Sherloc (09022015). Collection method: clinical testing. Allele origin: germline.
Comment: In summary, the available evidence is currently insufficient to determine the role of this variant in disease. Therefore, it has been classified as a Variant of Uncertain Significance. Algorithms developed to predict the effect of missense changes on protein structure and function are either unavailable or do not agree on the potential impact of this missense change (SIFT: "Deleterious"; PolyPhen-2: "Benign"; Align-GVGD: "Class C25"). This variant has not been reported in the literature in individuals affected with TLR7-related conditions. This variant is not present in population databases (gnomAD no frequency). This sequence change replaces methionine, which is neutral and non-polar, with threonine, which is neutral and polar, at codon 416 of the TLR7 protein (p.Met416Thr).

NM_016562.4(TLR7):c.1247T>C (p.Met416Thr)

Gene: TLR7 (toll like receptor 7; plus strand). Cytogenetic location: Xp22.2.
Variant type: single nucleotide variant.
Coding change: c.1247T>C on transcript NM_016562.4 (MANE Select); coding-DNA position 1247, T replaced by C.
Protein change: p.Met416Thr; replaces methionine 416 with threonine.
Molecular consequence: missense variant.
Genome position (GRCh38, 1-based): chrX:12,886,755, T>C. VCF-style: chrX-12886755-T-C. GRCh37 (hg19) VCF-style: chrX-12904874-T-C.
Other names: short protein forms M416T.
Identifiers: ClinVar variation 2030598 (VCV002030598.4), dbSNP rs2518438148, ClinGen allele CA412407113.
Genomic context (GRCh38, chrX:12,886,755, plus strand): 5'-TTCAAAATCTTGAAGTTCTTGATCTTGGCACTAACTTTATAAAAATTGCTAACCTCAGCA[T>C]GTTTAAACAATTTAAAAGACTGAAAGTCATAGATCTTTCAGTGAATAAAATATCACCTTC-3'
Protein context (NP_057646.1, residues 406-426): TNFIKIANLS[Met416Thr]FKQFKRLKVI